The following is an entry in ClinVar:

NM_000264.5(PTCH1):c.2390A>G (p.Tyr797Cys)

Genes: PTCH1 (patched 1; minus strand), LOC100507346 (uncharacterized LOC100507346; plus strand). Cytogenetic location: 9q22.32.
Variant type: single nucleotide variant.
Coding change: c.2390A>G on transcript NM_000264.5 (MANE Select); coding-DNA position 2390, A replaced by G.
Protein change: p.Tyr797Cys; replaces tyrosine 797 with cysteine.
Molecular consequence: missense variant.
Genome position (GRCh38, 1-based): chr9:95,467,286, T>C on the plus strand (A>G on the coding strand, the complement: PTCH1 is on the minus strand). VCF-style: chr9-95467286-T-C. GRCh37 (hg19) VCF-style: chr9-98229568-T-C.
Other names: c.2192A>G, p.Tyr731Cys (NM_001083602.3); c.2387A>G, p.Tyr796Cys (NM_001083603.3); c.1937A>G, p.Tyr646Cys (NM_001083604.3, NM_001083605.3, NM_001083606.3 and 1 more transcripts); c.2234A>G, p.Tyr745Cys (NM_001354918.2); short protein forms Y646C, Y731C, Y745C, Y796C, Y797C.
Identifiers: ClinVar variation 3364632 (VCV003364632.1).

ClinVar aggregate classification (germline): Uncertain significance (1 of 4 stars; one submission).

Submission:

GeneDx
Classification: Uncertain significance. Last evaluated: 2023-11-18. Review status: criteria provided, single submitter. Criteria: GeneDx Variant Classification Process June 2021. Collection method: clinical testing. Allele origin: germline. Affected: yes.
Comment: Not observed at significant frequency in large population cohorts (gnomAD); In silico analysis supports that this missense variant has a deleterious effect on protein structure/function; Has not been previously published as pathogenic or benign to our knowledge